The following is an entry in ClinVar:

ClinVar aggregate classification (germline): Uncertain significance (1 of 4 stars; one submission).

Conditions:
Dyskeratosis congenita. Identifiers: Orphanet 1775, MedGen C0265965, MONDO:0015780.

Submission:

Ambry Genetics
Classification: Uncertain significance for Dyskeratosis congenita. Last evaluated: 2025-07-25. Review status: criteria provided, single submitter. Criteria: Ambry Variant Classification Scheme 2023. Collection method: clinical testing. Allele origin: germline.
Comment: The p.G225W variant (also known as c.673G>T), located in coding exon 2 of the TERT gene, results from a G to T substitution at nucleotide position 673. The glycine at codon 225 is replaced by tryptophan, an amino acid with highly dissimilar properties. This amino acid position is conserved. In addition, this alteration is predicted to be tolerated by in silico analysis. Based on the available evidence, the clinical significance of this variant remains unclear.

NM_198253.3(TERT):c.673G>T (p.Gly225Trp)

Gene: TERT (telomerase reverse transcriptase; minus strand). Cytogenetic location: 5p15.33.
Variant type: single nucleotide variant.
Coding change: c.673G>T on transcript NM_198253.3 (MANE Select); coding-DNA position 673, G replaced by T.
Protein change: p.Gly225Trp; replaces glycine 225 with tryptophan.
Molecular consequence: missense variant. On other transcripts: non-coding transcript variant (2).
Genome position (GRCh38, 1-based): chr5:1,294,213, C>A on the plus strand (G>T on the coding strand, the complement: TERT is on the minus strand). VCF-style: chr5-1294213-C-A. GRCh37 (hg19) VCF-style: chr5-1294328-C-A.
Other names: c.673G>T, p.Gly225Trp (NM_001193376.3); short protein forms G225W.
Identifiers: ClinVar variation 4182797 (VCV004182797.1).
Genomic context (GRCh38, chr5:1,294,213, plus strand): 5'-CAGGGGCAGCGCCACGCCTGGGCCTCTTGGGCAACGGCAGACTTCGGCTGGCACTGCCCC[C>A]GCGCCTCCTCGCACCCGGGGCTGGCAGGCCCAGGGGGACCCCGGCCTCCCTGACGCTATG-3'
Protein context (NP_937983.2, residues 215-235): GLPAPGARRR[Gly225Trp]GSASRSLPLP